The following is an entry in ClinVar:

ClinVar aggregate classification (germline): Uncertain significance. Review status: criteria provided, multiple submitters, no conflicts (2 of 4 stars). 2 submissions from 2 submitters: Uncertain significance (2). Last evaluated 2025-08-06.

Conditions:
Inborn genetic diseases. Identifiers: MedGen C0950123, MeSH D030342.

gnomAD v4.1: 1 of 1,542,910 alleles (0.000065%); highest among the groups gnomAD compares: Non-Finnish European, 0.000088%; no homozygotes.

Submissions (2):

Ambry Genetics
Classification: Uncertain significance for Inborn genetic diseases. Last evaluated: 2025-08-06. Review status: criteria provided, single submitter. Criteria: Ambry Variant Classification Scheme 2023. Collection method: clinical testing. Allele origin: germline.

Labcorp Genetics (formerly Invitae), Labcorp
Classification: Uncertain significance. Last evaluated: 2023-06-30. Review status: criteria provided, single submitter. Criteria: Invitae Variant Classification Sherloc (09022015). Collection method: clinical testing. Allele origin: germline.
Comment: In summary, the available evidence is currently insufficient to determine the role of this variant in disease. Therefore, it has been classified as a Variant of Uncertain Significance. Advanced modeling of protein sequence and biophysical properties (such as structural, functional, and spatial information, amino acid conservation, physicochemical variation, residue mobility, and thermodynamic stability) performed at Invitae indicates that this missense variant is not expected to disrupt NOTCH3 protein function. This variant has not been reported in the literature in individuals affected with NOTCH3-related conditions. This variant is not present in population databases (gnomAD no frequency). This sequence change replaces arginine, which is basic and polar, with lysine, which is basic and polar, at codon 2065 of the NOTCH3 protein (p.Arg2065Lys).

NM_000435.3(NOTCH3):c.6194G>A (p.Arg2065Lys)

Gene: NOTCH3 (notch receptor 3; minus strand). Cytogenetic location: 19p13.12.
Variant type: single nucleotide variant.
Coding change: c.6194G>A on transcript NM_000435.3 (MANE Select); coding-DNA position 6194, G replaced by A.
Protein change: p.Arg2065Lys; replaces arginine 2065 with lysine.
Molecular consequence: missense variant.
Genome position (GRCh38, 1-based): chr19:15,161,434, C>T on the plus strand (G>A on the coding strand, the complement: NOTCH3 is on the minus strand). VCF-style: chr19-15161434-C-T. GRCh37 (hg19) VCF-style: chr19-15272245-C-T.
Other names: c.6194G>A (NM_000435.2); short protein forms R2065K.
Identifiers: ClinVar variation 2905307 (VCV002905307.4), dbSNP rs1045330309, ClinGen allele CA305758576.